The following is an entry in ClinVar:

ClinVar aggregate classification (germline): Conflicting classifications of pathogenicity. Review status: criteria provided, conflicting classifications (1 of 4 stars). 2 submissions from 2 submitters: Uncertain significance (1); Likely benign (1). Last evaluated 2026-05-05.

Conditions:
Cardiovascular phenotype. Identifiers: MedGen CN230736.
Dilated cardiomyopathy 1O (CMD1O). Also called: CARDIOMYOPATHY, DILATED, WITH VENTRICULAR TACHYCARDIA. Identifiers: Orphanet 154, MedGen C1837839, MONDO:0012062, OMIM 608569.

Submissions (2):

Ambry Genetics
Classification: Uncertain significance for Cardiovascular phenotype. Last evaluated: 2026-05-05. Review status: criteria provided, single submitter. Criteria: Ambry Variant Classification Scheme 2023. Collection method: clinical testing. Allele origin: germline.
Comment: The c.2199-4G>C intronic variant results from a G to C substitution 4 nucleotides upstream from coding exon 17 in the ABCC9 gene. This nucleotide position is not well conserved in available vertebrate species. In silico splice site analysis for this alteration is inconclusive. Based on the available evidence, the clinical significance of this variant remains unclear.

Labcorp Genetics (formerly Invitae), Labcorp
Classification: Likely benign for Dilated cardiomyopathy 1O. Last evaluated: 2024-09-02. Review status: criteria provided, single submitter. Criteria: Invitae Variant Classification Sherloc (09022015). Collection method: clinical testing. Allele origin: germline.

NM_020297.4(ABCC9):c.2199-4G>C

Gene: ABCC9 (ATP binding cassette subfamily C member 9; minus strand). Cytogenetic location: 12p12.1.
Variant type: single nucleotide variant.
Coding change: c.2199-4G>C on transcript NM_020297.4 (MANE Select); 4 bases into the intron before coding-DNA position 2199, G replaced by C.
Molecular consequence: intron variant.
Genome position (GRCh38, 1-based): chr12:21,864,481, C>G on the plus strand (G>C on the coding strand, the complement: ABCC9 is on the minus strand). VCF-style: chr12-21864481-C-G. GRCh37 (hg19) VCF-style: chr12-22017415-C-G.
Other names: c.1335-4G>C (NM_001377274.1); c.2199-4G>C (NM_005691.4, NM_001377273.1, NM_005691.2).
Identifiers: ClinVar variation 3663638 (VCV003663638.3).